The following is an entry in ClinVar:

ClinVar aggregate classification (germline): Uncertain significance. Review status: criteria provided, multiple submitters, no conflicts (2 of 4 stars). 3 submissions from 3 submitters: Uncertain significance (2). 1 of the submissions does not count toward it. Last evaluated 2026-04-30.

Conditions:
Familial Mediterranean fever (FMF). Also called: POLYSEROSITIS, FAMILIAL PAROXYSMAL; POLYSEROSITIS, RECURRENT; Periodic peritonitis; Benign paroxysmal peritonitis. Identifiers: Orphanet 342, MedGen C0031069, MONDO:0018088, OMIM 249100. Disease mechanism: gain of function.

Submissions (3):

Women's Health and Genetics/Laboratory Corporation of America, LabCorp
Classification: Uncertain significance. Last evaluated: 2026-04-30. Review status: criteria provided, single submitter. Criteria: LabCorp Variant Classification Summary - May 2015. Collection method: clinical testing. Allele origin: germline.
Comment: Variant summary: MEFV c.688G>C (p.Glu230Gln) results in a conservative amino acid change in the encoded protein sequence. Algorithms developed to predict the effect of missense changes on protein structure and function all suggest that this variant is likely to be tolerated. The variant was absent in 249694 control chromosomes. The available data on variant occurrences in the general population are insufficient to allow any conclusion about variant significance. c.688G>C has been observed in individuals affected with or suspected of Familial Mediterranean Fever (e.g. Oztuzcu_2014, Hangul_2022). However, these reports do not provide unequivocal conclusions about association of the variant with Familial Mediterranean Fever. To our knowledge, no experimental evidence demonstrating an impact on protein function has been reported. The following publications have been ascertained in the context of this evaluation (PMID: 36321013, 24469716). ClinVar contains an entry for this variant (Variation ID: 56151). Based on the evidence outlined above, the variant was classified as uncertain significance.

Mendelics
Classification: Uncertain significance for Familial Mediterranean fever. Last evaluated: 2019-05-28. Review status: criteria provided, single submitter. Criteria: Mendelics Assertion Criteria 2017. Collection method: clinical testing. Allele origin: unknown.

Medical Biology Lab,  Gaziantep University
No classification provided. Condition: Familial Mediterranean fever. Review status: no classification provided. Collection method: not provided. Allele origin: somatic. Not counted in ClinVar's aggregate classification.

Literature cited by the submitters: PubMed 24469716 (cited by Women's Health and Genetics/Laboratory Corporation of America, LabCorp); PubMed 36321013 (cited by Women's Health and Genetics/Laboratory Corporation of America, LabCorp).

NM_000243.3(MEFV):c.688G>C (p.Glu230Gln)

Gene: MEFV (MEFV innate immunity regulator, pyrin; minus strand). Cytogenetic location: 16p13.3.
Variant type: single nucleotide variant.
Coding change: c.688G>C on transcript NM_000243.3 (MANE Select); coding-DNA position 688, G replaced by C.
Protein change: p.Glu230Gln; replaces glutamic acid 230 with glutamine.
Molecular consequence: missense variant. On other transcripts: intron variant (1).
Genome position (GRCh38, 1-based): chr16:3,254,380, C>G on the plus strand (G>C on the coding strand, the complement: MEFV is on the minus strand). VCF-style: chr16-3254380-C-G. GRCh37 (hg19) VCF-style: chr16-3304380-C-G.
Other names: c.277+1931G>C (NM_001198536.2); short protein forms E230Q.
Identifiers: ClinVar variation 56151 (VCV000056151.3), dbSNP rs104895080, ClinGen allele CA280332.
Genomic context (GRCh38, chr16:3,254,380, plus strand): 5'-CTGTAGAAATGGTGACCTCAAGGCTTCTAGGTCGCATCTTTCCCGAGGGCAGGTACACTT[C>G]GAAGGGCCTGCACTCCTTCTGCCCCGGGGCGCCCCCCGCCAGCCCCTGCAGCCTCCCCGC-3'
Protein context (NP_000234.1, residues 220-240): APGQKECRPF[Glu230Gln]VYLPSGKMRP